The following is an entry in ClinVar:

ClinVar aggregate classification (germline): Uncertain significance. Review status: criteria provided, multiple submitters, no conflicts (2 of 4 stars). 3 submissions from 3 submitters: Uncertain significance (3). Last evaluated 2025-06-07.

Conditions:
Cohen syndrome (COH1). Also called: Cutis verticis gyrata, retinitis pigmentosa, and sensorineural deafness; PEPPER SYNDROME. Identifiers: Orphanet 193, MedGen C0265223, MONDO:0008999, OMIM 216550.
VPS13B-related disorder. Also called: VPS13B-related condition.
Inborn genetic diseases. Identifiers: MedGen C0950123, MeSH D030342.

Allele frequency attached by ClinVar (database versions not stated): TOPMed below 0.00001; gnomAD 0.00001; gnomAD exomes 0.00001.
gnomAD v4.1: 22 of 1,613,852 alleles (0.0014%); highest among the groups gnomAD compares: Non-Finnish European, 0.0019%; no homozygotes.

Submissions (3):

Ambry Genetics
Classification: Uncertain significance for Inborn genetic diseases. Last evaluated: 2025-06-07. Review status: criteria provided, single submitter. Criteria: Ambry Variant Classification Scheme 2023. Collection method: clinical testing. Allele origin: germline.

PreventionGenetics, part of Exact Sciences
Classification: Uncertain significance for VPS13B-related condition. Last evaluated: 2025-05-19. Review status: criteria provided, single submitter. Criteria: ACMG Guidelines, 2015. Collection method: clinical testing. Allele origin: germline.
Comment: The VPS13B c.8548C>T variant is predicted to result in the amino acid substitution p.Pro2850Ser. To our knowledge, this variant has not been reported in the literature. This variant is reported in 0.0065% of alleles in individuals of European (Non-Finnish) descent in gnomAD. At this time, the clinical significance of this variant is uncertain due to the absence of conclusive functional and genetic evidence.

Labcorp Genetics (formerly Invitae), Labcorp
Classification: Uncertain significance for Cohen syndrome. Last evaluated: 2021-12-13. Review status: criteria provided, single submitter. Criteria: Invitae Variant Classification Sherloc (09022015). Collection method: clinical testing. Allele origin: germline.
Comment: This sequence change replaces proline, which is neutral and non-polar, with serine, which is neutral and polar, at codon 2875 of the VPS13B protein (p.Pro2875Ser). This variant is present in population databases (no rsID available, gnomAD 0.007%). This variant has not been reported in the literature in individuals affected with VPS13B-related conditions. Algorithms developed to predict the effect of missense changes on protein structure and function are either unavailable or do not agree on the potential impact of this missense change (SIFT: "Not Available"; PolyPhen-2: "Possibly Damaging"; Align-GVGD: "Not Available"). In summary, the available evidence is currently insufficient to determine the role of this variant in disease. Therefore, it has been classified as a Variant of Uncertain Significance.

NM_152564.5(VPS13B):c.8548C>T (p.Pro2850Ser)

Gene: VPS13B (vacuolar protein sorting 13 homolog B; plus strand). Cytogenetic location: 8q22.2.
Variant type: single nucleotide variant.
Coding change: c.8548C>T on transcript NM_152564.5 (MANE Select); coding-DNA position 8548, C replaced by T.
Protein change: p.Pro2850Ser; replaces proline 2850 with serine.
Molecular consequence: missense variant.
Genome position (GRCh38, 1-based): chr8:99,818,815, C>T. VCF-style: chr8-99818815-C-T. GRCh37 (hg19) VCF-style: chr8-100831043-C-T.
Other names: c.8623C>T (NM_017890.3); c.8623C>T, p.Pro2875Ser (NM_017890.5); c.8548C>T (NM_152564.4); short protein forms P2875S, P2850S.
Identifiers: ClinVar variation 1390176 (VCV001390176.5), dbSNP rs1452503935, ClinGen allele CA371774757.